The following is an entry in ClinVar:

ClinVar aggregate classification (germline): Likely benign (0 of 4 stars; one submission).

Conditions:
PARD3-related disorder. Also called: PARD3-related condition.

Allele frequency attached by ClinVar (database versions not stated): ExAC 0.00002; gnomAD exomes 0.00003; TOPMed 0.00003; gnomAD 0.00005.
gnomAD v4.1: 51 of 1,613,784 alleles (0.0032%); highest among the groups gnomAD compares: Middle Eastern, 0.016%; no homozygotes.

Submission:

PreventionGenetics, part of Exact Sciences
Classification: Likely benign for PARD3-related condition. Last evaluated: 2019-02-20. Review status: no assertion criteria provided. Collection method: clinical testing. Allele origin: germline.
Comment: This variant is classified as likely benign based on ACMG/AMP sequence variant interpretation guidelines (Richards et al. 2015 PMID: 25741868, with internal and published modifications).

NM_001184785.2(PARD3):c.2358G>A (p.Thr786=)

Gene: PARD3 (par-3 family cell polarity regulator; minus strand). Cytogenetic location: 10p11.21.
Variant type: single nucleotide variant.
Coding change: c.2358G>A on transcript NM_001184785.2 (MANE Select); coding-DNA position 2358, G replaced by A.
Protein change: p.Thr786=; no amino-acid change (threonine 786 retained).
Molecular consequence: synonymous variant.
Genome position (GRCh38, 1-based): chr10:34,341,677, C>T on the plus strand (G>A on the coding strand, the complement: PARD3 is on the minus strand). VCF-style: chr10-34341677-C-T. GRCh37 (hg19) VCF-style: chr10-34630605-C-T.
Other names: c.2319G>A, p.Thr773= (NM_001184786.2, NM_001184788.2, NM_001184789.2 and 1 more transcripts); c.2367G>A, p.Thr789= (NM_001184787.2, NM_019619.4); c.2187G>A, p.Thr729= (NM_001184790.2, NM_001184791.2); c.2358G>A, p.Thr786= (NM_001184792.2, NM_001184793.2).
Identifiers: ClinVar variation 3050779 (VCV003050779.2), dbSNP rs774456144, ClinGen allele CA5467640.